The following is an entry in ClinVar:

NM_032382.5(COG8):c.42A>G (p.Thr14=)

Gene: COG8 (component of oligomeric golgi complex 8; minus strand). Cytogenetic location: 16q22.1.
Variant type: single nucleotide variant.
Coding change: c.42A>G on transcript NM_032382.5 (MANE Select); coding-DNA position 42, A replaced by G.
Protein change: p.Thr14=; no amino-acid change (threonine 14 retained).
Molecular consequence: synonymous variant.
Genome position (GRCh38, 1-based): chr16:69,339,511, T>C on the plus strand (A>G on the coding strand, the complement: COG8 is on the minus strand). VCF-style: chr16-69339511-T-C. GRCh37 (hg19) VCF-style: chr16-69373414-T-C.
Other names: p.Thr14=; c.42A>G, p.Thr14= (NM_001374871.1, NM_001379261.1, NM_001379262.1 and 4 more transcripts).
Identifiers: ClinVar variation 96220 (VCV000096220.20), dbSNP rs11542583, ClinGen allele CA149372.

ClinVar aggregate classification (germline): Benign. Review status: criteria provided, multiple submitters, no conflicts (2 of 4 stars). 7 submissions from 7 submitters: Benign (7). Last evaluated 2026-02-01.

Conditions:
COG8-congenital disorder of glycosylation. Also called: CDG IIh; COG8-CDG. Identifiers: Orphanet 95428, MedGen C1970021, MONDO:0012635, OMIM 611182.

Allele frequency attached by ClinVar (database versions not stated): 1000 Genomes Project 0.25759; 1000 Genomes Project 30x 0.26234; TOPMed 0.30682; gnomAD 0.30703 and 0.30947; ESP Exome Variant Server 0.32437.
gnomAD v4.1: 505,621 of 1,606,994 alleles (31%); highest among the groups gnomAD compares: South Asian, 37%; 81,755 homozygotes.

Submissions (7):

Labcorp Genetics (formerly Invitae), Labcorp
Classification: Benign for COG8-congenital disorder of glycosylation. Last evaluated: 2026-02-01. Review status: criteria provided, single submitter. Criteria: Invitae Variant Classification Sherloc (09022015). Collection method: clinical testing. Allele origin: germline.

Blueprint Genetics
Classification: Benign. Last evaluated: 2024-11-27. Review status: criteria provided, single submitter. Criteria: ACMG Guidelines, 2015. Collection method: clinical testing. Allele origin: germline.

Mayo Clinic Laboratories, Mayo Clinic
Classification: Benign. Last evaluated: 2018-04-02. Review status: criteria provided, single submitter. Criteria: ACMG Guidelines, 2015. Collection method: clinical testing. Allele origin: germline. Observed: 317 variant alleles.

Illumina Laboratory Services, Illumina
Classification: Benign for COG8-congenital disorder of glycosylation. Last evaluated: 2018-01-12. Review status: criteria provided, single submitter. Criteria: ICSL Variant Classification Criteria 13 December 2019. Collection method: clinical testing. Allele origin: germline.
Comment: This variant was observed in the ICSL laboratory as part of a predisposition screen in an ostensibly healthy population. It had not been previously curated by ICSL or reported in the Human Gene Mutation Database (HGMD: prior to June 1st, 2018), and was therefore a candidate for classification through an automated scoring system. Utilizing variant allele frequency, disease prevalence and penetrance estimates, and inheritance mode, an automated score was calculated to assess if this variant is too frequent to cause the disease. Based on the score and internal cut-off values, a variant classified as benign is not then subjected to further curation. The score for this variant resulted in a classification of benign for this disease.

GeneDx
Classification: Benign. Last evaluated: 2015-12-02. Review status: criteria provided, single submitter. Criteria: GeneDx Variant Classification (06012015). Collection method: clinical testing. Allele origin: germline. Affected: yes.
Comment: This variant is considered likely benign or benign based on one or more of the following criteria: it is a conservative change, it occurs at a poorly conserved position in the protein, it is predicted to be benign by multiple in silico algorithms, and/or has population frequency not consistent with disease.

Eurofins Ntd Llc (ga)
Classification: Benign. Last evaluated: 2012-07-26. Review status: criteria provided, single submitter. Criteria: EGL Classification Definitions 2015. Collection method: clinical testing. Allele origin: germline. Observed: 17 variant alleles, 14 heterozygotes, 3 homozygotes.

Breakthrough Genomics
Classification: Benign. Review status: criteria provided, single submitter. Criteria: ACMG Guidelines, 2015. Collection method: not provided. Allele origin: germline. Inheritance: Unknown mechanism. Affected: yes.